The following is an entry in ClinVar:

NC_000023.10:g.(?_32827590)_(32834777_?)dup

Gene: DMD (dystrophin; minus strand). Cytogenetic location: Xp21.1.
Variant type: Duplication.
Identifiers: ClinVar variation 1415742 (VCV001415742.6).

ClinVar aggregate classification (germline): Pathogenic (1 of 4 stars; one submission).

Conditions:
Duchenne muscular dystrophy (DMD). Also called: MUSCULAR DYSTROPHY, PSEUDOHYPERTROPHIC PROGRESSIVE, DUCHENNE TYPE; Duchenne Muscular Dystrophy (DMD). Identifiers: Orphanet 98896, MedGen C0013264, MONDO:0010679, OMIM 310200.

Submission:

Labcorp Genetics (formerly Invitae), Labcorp
Classification: Pathogenic for Duchenne muscular dystrophy. Last evaluated: 2022-02-03. Review status: criteria provided, single submitter. Criteria: Invitae Variant Classification Sherloc (09022015). Collection method: clinical testing. Allele origin: germline.
Comment: For these reasons, this variant has been classified as Pathogenic. A similar copy number variant has been observed in individuals with DMD-related muscular dystrophy (PMID: 12111668, 16917894). This variant results in a copy number gain of the genomic region encompassing exon(s) 6-7 of the DMD gene. While the exact position of this variant cannot be determined from the data, sub-genic copy number gains are generally in tandem (PMID: 25640679). This variant is predicted to be out-of-frame, and may result in an absent or disrupted protein product. Loss-of-function variants in DMD are known to be pathogenic (PMID: 16770791, 25007885).

Literature cited by the submitters: PubMed 12111668; PubMed 16917894; PubMed 25640679; PubMed 16770791; PubMed 25007885.